The following is an entry in ClinVar:

NM_000179.3(MSH6):c.3358GAG[1] (p.Glu1121del)

Gene: MSH6 (mutS homolog 6; plus strand). Cytogenetic location: 2p16.3.
Variant type: Microsatellite.
Coding change: c.3358GAG[1] on transcript NM_000179.3 (MANE Select); one copy of the 3-base unit GAG starting at c.3358; the reference has two copies in a row; one copy, 3 bases deleted.
Protein change: p.Glu1121del; deletes glutamic acid 1121.
Molecular consequence: inframe deletion. On other transcripts: non-coding transcript variant (5), inframe indel (2).
Genome position (GRCh38, 1-based): chr2:47,803,608-47,803,610, GAG deleted; deleting any 3 consecutive bases within chr2:47,803,605-47,803,610 gives the same sequence; the position shown is the placement nearest the transcript's 3' end. VCF-style (leftmost placement, unchanged base first): chr2-47803604-AGAG-A. GRCh37 (hg19) VCF-style: chr2-48030743-AGAG-A.
Other names: c.3061GAG[1], p.Glu1022del (NM_001406825.1, NM_001406827.1, NM_001406828.1 and 10 more transcripts); c.3190GAG[1], p.Glu1065del (NM_001406826.1); c.2452GAG[1], p.Glu819del (NM_001406829.1, NM_001281493.2, NM_001281494.2 and 6 more transcripts); c.139GAG[1], p.Glu48del (NM_001406831.1); c.205GAG[1], p.Glu70del (NM_001406832.1); c.1303GAG[1], p.Glu436del (NM_001407362.1); c.3358_3360GAG[1], p.Glu1121del (NM_000179.2); c.2968GAG[1], p.Glu991del (NM_001281492.2); and 9 more; short protein forms E1095del, E1123del, E1153del, E48del, E436del, E599del, E70del, E991del.
Identifiers: ClinVar variation 4657353 (VCV004657353.1).

ClinVar aggregate classification (germline): Uncertain significance (1 of 4 stars; one submission).

Conditions:
Hereditary cancer-predisposing syndrome. Also called: Neoplastic Syndromes, Hereditary; Tumor predisposition; Hereditary Cancer Syndrome; Hereditary neoplastic syndrome. Identifiers: Orphanet 140162, MedGen C0027672, MeSH D009386, MONDO:0015356.

Submission:

Ambry Genetics
Classification: Uncertain significance for Hereditary cancer-predisposing syndrome. Last evaluated: 2025-09-24. Review status: criteria provided, single submitter. Criteria: Ambry Variant Classification Scheme 2023. Collection method: clinical testing. Allele origin: germline.
Comment: The c.3361_3363delGAG variant (also known as p.E1121del) is located in coding exon 5 of the MSH6 gene. This variant results from an in-frame GAG deletion at nucleotide positions 3361 to 3363. This results in the in-frame deletion of a glutamic acid at codon 1121. This amino acid position is not well conserved in available vertebrate species. In addition, this variant is predicted to be deleterious by in silico analysis (Choi Y et al. PLoS ONE. 2012; 7(10):e46688). Based on the available evidence, the clinical significance of this variant remains unclear.